The following is an entry in ClinVar:

ClinVar aggregate classification (germline): Uncertain significance (1 of 4 stars; one submission).

Allele frequency attached by ClinVar (database versions not stated): gnomAD exomes below 0.00001.
gnomAD v4.1: 1 of 1,613,720 alleles (0.000062%); highest among the groups gnomAD compares: Non-Finnish European, 0.000085%; no homozygotes.

Submission:

Labcorp Genetics (formerly Invitae), Labcorp
Classification: Uncertain significance. Last evaluated: 2021-07-24. Review status: criteria provided, single submitter. Criteria: Invitae Variant Classification Sherloc (09022015). Collection method: clinical testing. Allele origin: germline.
Comment: Algorithms developed to predict the effect of missense changes on protein structure and function output the following: SIFT: "Tolerated"; PolyPhen-2: "Possibly Damaging"; Align-GVGD: "Class C0". The cysteine amino acid residue is found in multiple mammalian species, which suggests that this missense change does not adversely affect protein function. This variant has not been reported in the literature in individuals affected with ADGRV1-related conditions. This variant is not present in population databases (ExAC no frequency). This sequence change replaces tyrosine with cysteine at codon 1976 of the ADGRV1 protein (p.Tyr1976Cys). The tyrosine residue is moderately conserved and there is a large physicochemical difference between tyrosine and cysteine. In summary, the available evidence is currently insufficient to determine the role of this variant in disease. Therefore, it has been classified as a Variant of Uncertain Significance.

NM_032119.4(ADGRV1):c.5927A>G (p.Tyr1976Cys)

Gene: ADGRV1 (adhesion G protein-coupled receptor V1; plus strand). Cytogenetic location: 5q14.3.
Variant type: single nucleotide variant.
Coding change: c.5927A>G on transcript NM_032119.4 (MANE Select); coding-DNA position 5927, A replaced by G.
Protein change: p.Tyr1976Cys; replaces tyrosine 1976 with cysteine.
Molecular consequence: missense variant. On other transcripts: non-coding transcript variant (1).
Genome position (GRCh38, 1-based): chr5:90,683,848, A>G. VCF-style: chr5-90683848-A-G. GRCh37 (hg19) VCF-style: chr5-89979665-A-G.
Other names: short protein forms Y1976C.
Identifiers: ClinVar variation 1407091 (VCV001407091.8), dbSNP rs1317686063, ClinGen allele CA360413750.